The following is an entry in ClinVar:

ClinVar aggregate classification (germline): Likely benign. Review status: criteria provided, single submitter (1 of 4 stars). 2 submissions from 2 submitters: Likely benign (1). 1 of the submissions does not count toward it. Last evaluated 2024-02-17.

Conditions:
BBS10-related disorder. Also called: BBS10-related condition.
Bardet-Biedl syndrome (BBS). Identifiers: Orphanet 110, MedGen C0752166, MONDO:0015229.

Submissions (2):

Labcorp Genetics (formerly Invitae), Labcorp
Classification: Likely benign for Bardet-Biedl syndrome. Last evaluated: 2024-02-17. Review status: criteria provided, single submitter. Criteria: Invitae Variant Classification Sherloc (09022015). Collection method: clinical testing. Allele origin: germline.

PreventionGenetics, part of Exact Sciences
Classification: Likely benign for BBS10-related condition. Last evaluated: 2024-06-04. Review status: no assertion criteria provided. Collection method: clinical testing. Allele origin: germline. Not counted in ClinVar's aggregate classification.
Comment: This variant is classified as likely benign based on ACMG/AMP sequence variant interpretation guidelines (Richards et al. 2015 PMID: 25741868, with internal and published modifications).

NM_024685.4(BBS10):c.1605T>C (p.Asp535=)

Gene: BBS10 (Bardet-Biedl syndrome 10; minus strand). Cytogenetic location: 12q21.2.
Variant type: single nucleotide variant.
Coding change: c.1605T>C on transcript NM_024685.4 (MANE Select); coding-DNA position 1605, T replaced by C.
Protein change: p.Asp535=; no amino-acid change (aspartic acid 535 retained).
Molecular consequence: synonymous variant.
Genome position (GRCh38, 1-based): chr12:76,346,380, A>G on the plus strand (T>C on the coding strand, the complement: BBS10 is on the minus strand). VCF-style: chr12-76346380-A-G. GRCh37 (hg19) VCF-style: chr12-76740160-A-G.
Identifiers: ClinVar variation 3353084 (VCV003353084.3).
Genomic context (GRCh38, chr12:76,346,380, plus strand): 5'-TATTCTATTTCCCCTTGTTGAATAAGCAGTGGAATTGTTCTTGAGTAATGGTTCATAATA[A>G]TCAGTTAGCCTGTTTCTTTCCAAAGACAAACATGTCAGCGTTTCAACTGTTTGGAATGTA-3'
Protein context (NP_078961.3, residues 525-545): CLSLERNRLT[Asp535=]YYEPLLKNNS